The following is an entry in ClinVar:

NM_017757.3(ZNF407):c.5950G>A (p.Glu1984Lys)

Gene: ZNF407 (zinc finger protein 407; plus strand). Cytogenetic location: 18q22.3.
Variant type: single nucleotide variant.
Coding change: c.5950G>A on transcript NM_017757.3 (MANE Select); coding-DNA position 5950, G replaced by A.
Protein change: p.Glu1984Lys; replaces glutamic acid 1984 with lysine.
Molecular consequence: missense variant.
Genome position (GRCh38, 1-based): chr18:75,063,671, G>A. VCF-style: chr18-75063671-G-A. GRCh37 (hg19) VCF-style: chr18-72775627-G-A.
Other names: c.5950G>A, p.Glu1984Lys (NM_001384475.1); short protein forms E1984K.
Identifiers: ClinVar variation 1703454 (VCV001703454.3), dbSNP rs1345585661, ClinGen allele CA403071315.
Genomic context (GRCh38, chr18:75,063,671, plus strand): 5'-ATACAACAGGTGACCAAGCAGGAGATTTTAAACCTCTCGGAGGCTGGAGTCGCTCCCCCC[G>A]AGGCATCCTCAGCCCTGGATGCATTGCTCTGTGCGGTCACTGAATTAGGGGAGGTGGAGG-3'
Protein context (NP_060227.2, residues 1974-1994): NLSEAGVAPP[Glu1984Lys]ASSALDALLC

ClinVar aggregate classification (germline): Uncertain significance. Review status: criteria provided, multiple submitters, no conflicts (2 of 4 stars). 2 submissions from 2 submitters: Uncertain significance (2). Last evaluated 2025-09-11.

Allele frequency attached by ClinVar (database versions not stated): gnomAD 0.00001; 1000 Genomes Project 30x 0.00016.
gnomAD v4.1: 23 of 1,609,554 alleles (0.0014%); highest among the groups gnomAD compares: East Asian, 0.0045%; no homozygotes.

Submissions (2):

Ambry Genetics
Classification: Uncertain significance. Last evaluated: 2025-09-11. Review status: criteria provided, single submitter. Criteria: Ambry Variant Classification Scheme 2023. Collection method: clinical testing. Allele origin: germline.

GeneDx
Classification: Uncertain significance. Last evaluated: 2022-02-24. Review status: criteria provided, single submitter. Criteria: GeneDx Variant Classification Process June 2021. Collection method: clinical testing. Allele origin: germline. Affected: yes.
Comment: Not observed at significant frequency in large population cohorts (gnomAD); In silico analysis supports that this missense variant does not alter protein structure/function; Has not been previously published as pathogenic or benign to our knowledge